The following is an entry in ClinVar:

ClinVar aggregate classification (germline): Uncertain significance. Review status: criteria provided, multiple submitters, no conflicts (2 of 4 stars). 2 submissions from 2 submitters: Uncertain significance (2). Last evaluated 2023-06-17.

Conditions:
Inborn genetic diseases. Identifiers: MedGen C0950123, MeSH D030342.
Brachyolmia-amelogenesis imperfecta syndrome. Also called: PLATYSPONDYLY WITH AMELOGENESIS IMPERFECTA; Tooth agenesis, selective, 6; Dental anomalies and short stature. Identifiers: Orphanet 2899, MedGen C1832594, MONDO:0011018, OMIM 601216. Disease mechanism: loss of function.

Allele frequency attached by ClinVar (database versions not stated): gnomAD exomes below 0.00001 and 0.00001; ExAC 0.00002.
gnomAD v4.1: 6 of 1,608,014 alleles (0.00037%); highest among the groups gnomAD compares: Non-Finnish European, 0.00042%; no homozygotes.

Submissions (2):

Ambry Genetics
Classification: Uncertain significance for Inborn genetic diseases. Last evaluated: 2023-06-17. Review status: criteria provided, single submitter. Criteria: Ambry Variant Classification Scheme 2023. Collection method: clinical testing. Allele origin: germline.
Comment: The p.R735H variant (also known as c.2204G>A), located in coding exon 15 of the LTBP3 gene, results from a G to A substitution at nucleotide position 2204. The arginine at codon 735 is replaced by histidine, an amino acid with highly similar properties. This amino acid position is conserved. In addition, this alteration is predicted to be tolerated by in silico analysis. Since supporting evidence is limited at this time, the clinical significance of this alteration remains unclear.

Labcorp Genetics (formerly Invitae), Labcorp
Classification: Uncertain significance for Brachyolmia-amelogenesis imperfecta syndrome. Last evaluated: 2022-08-23. Review status: criteria provided, single submitter. Criteria: Invitae Variant Classification Sherloc (09022015). Collection method: clinical testing. Allele origin: germline.
Comment: The frequency data for this variant in the population databases is considered unreliable, as metrics indicate poor data quality at this position in the gnomAD database. In summary, the available evidence is currently insufficient to determine the role of this variant in disease. Therefore, it has been classified as a Variant of Uncertain Significance. Algorithms developed to predict the effect of missense changes on protein structure and function (SIFT, PolyPhen-2, Align-GVGD) all suggest that this variant is likely to be tolerated. ClinVar contains an entry for this variant (Variation ID: 1375133). This variant has not been reported in the literature in individuals affected with LTBP3-related conditions. This sequence change replaces arginine, which is basic and polar, with histidine, which is basic and polar, at codon 735 of the LTBP3 protein (p.Arg735His).

NM_001130144.3(LTBP3):c.2204G>A (p.Arg735His)

Genes: LTBP3 (latent transforming growth factor beta binding protein 3; minus strand), LOC130006030 (ATAC-STARR-seq lymphoblastoid silent region 3533; plus strand). Cytogenetic location: 11q13.1.
Variant type: single nucleotide variant.
Coding change: c.2204G>A on transcript NM_001130144.3 (MANE Select); coding-DNA position 2204, G replaced by A.
Protein change: p.Arg735His; replaces arginine 735 with histidine.
Molecular consequence: missense variant.
Genome position (GRCh38, 1-based): chr11:65,546,824, C>T on the plus strand (G>A on the coding strand, the complement: LTBP3 is on the minus strand). VCF-style: chr11-65546824-C-T. GRCh37 (hg19) VCF-style: chr11-65314295-C-T.
Other names: c.2204G>A (NM_001130144.2); c.1853G>A, p.Arg618His (NM_001164266.1); c.2204G>A, p.Arg735His (NM_021070.4); short protein forms R618H, R735H.
Identifiers: ClinVar variation 1375133 (VCV001375133.10), dbSNP rs757613107, ClinGen allele CA6100717.